The following is an entry in ClinVar:

NM_001348716.2(KDM6B):c.2954G>A (p.Arg985Gln)

Gene: KDM6B (lysine demethylase 6B; plus strand). Cytogenetic location: 17p13.1.
Variant type: single nucleotide variant.
Coding change: c.2954G>A on transcript NM_001348716.2 (MANE Select); coding-DNA position 2954, G replaced by A.
Protein change: p.Arg985Gln; replaces arginine 985 with glutamine.
Molecular consequence: missense variant.
Genome position (GRCh38, 1-based): chr17:7,849,242, G>A. VCF-style: chr17-7849242-G-A. GRCh37 (hg19) VCF-style: chr17-7752560-G-A.
Other names: c.2954G>A, p.Arg985Gln (NM_001080424.2); short protein forms R985Q.
Identifiers: ClinVar variation 2040758 (VCV002040758.4), dbSNP rs756964794, ClinGen allele CA8361050.
Genomic context (GRCh38, chr17:7,849,242, plus strand): 5'-TGGCGGCAGTGTCAGGCAGCTGTAAGCGGCGACAGAAGGAGCATCAGAAGGAGCATCGGC[G>A]GCACAGGCGGGCCTGTAAGGACAGTGTGGGTCGTCGGCCCCGTGAGGGCAGGGCAAAGGC-3'
Protein context (NP_001335645.1, residues 975-995): RQKEHQKEHR[Arg985Gln]HRRACKDSVG

ClinVar aggregate classification (germline): Uncertain significance (1 of 4 stars; one submission).

Allele frequency attached by ClinVar (database versions not stated): gnomAD exomes 0.00001; TOPMed 0.00001; gnomAD 0.00002.
gnomAD v4.1: 23 of 1,564,476 alleles (0.0015%); highest among the groups gnomAD compares: East Asian, 0.0024%; no homozygotes.

Submission:

Labcorp Genetics (formerly Invitae), Labcorp
Classification: Uncertain significance. Last evaluated: 2021-12-13. Review status: criteria provided, single submitter. Criteria: Invitae Variant Classification Sherloc (09022015). Collection method: clinical testing. Allele origin: germline.
Comment: This sequence change replaces arginine, which is basic and polar, with glutamine, which is neutral and polar, at codon 985 of the KDM6B protein (p.Arg985Gln). This variant is present in population databases (rs756964794, gnomAD 0.003%). This variant has not been reported in the literature in individuals affected with KDM6B-related conditions. Algorithms developed to predict the effect of missense changes on protein structure and function are either unavailable or do not agree on the potential impact of this missense change (SIFT: "Deleterious"; PolyPhen-2: "Benign"; Align-GVGD: "Class C0"). In summary, the available evidence is currently insufficient to determine the role of this variant in disease. Therefore, it has been classified as a Variant of Uncertain Significance.